The following is an entry in ClinVar:

NM_000051.4(ATM):c.2862_2863del (p.Pro955fs)

Gene: ATM (ATM serine/threonine kinase; plus strand). Cytogenetic location: 11q22.3.
Variant type: Deletion.
Coding change: c.2862_2863del on transcript NM_000051.4 (MANE Select); coding-DNA positions 2862 to 2863, 2 bases deleted (TC; older notation c.2862_2863delTC).
Protein change: p.Pro955fs; shifts the reading frame from proline 955.
Molecular consequence: frameshift variant.
Genome position (GRCh38, 1-based): chr11:108,271,087-108,271,088, TC deleted. VCF-style (leftmost placement, unchanged base first): chr11-108271086-TTC-T. GRCh37 (hg19) VCF-style: chr11-108141813-TTC-T.
Other names: NM_000051.4:c.2862_2863del; c.2862_2863del, p.Pro955fs (NM_001351834.2); short protein forms P955fs.
Identifiers: ClinVar variation 4281694 (VCV004281694.1).

ClinVar aggregate classification (germline): Pathogenic (3 of 4 stars; one submission).

Conditions:
ATM-related cancer predisposition. Also called: ATM-related cancer susceptibility. Identifiers: MedGen CN377759, MONDO:0700270.

Submission:

ClinGen Hereditary Breast, Ovarian and Pancreatic Cancer Variant Curation Expert Panel, ClinGen
Classification: Pathogenic for ATM-related cancer predisposition. Last evaluated: 2025-09-21. Review status: reviewed by expert panel. Criteria: ClinGen HBOP ACMG Specifications ATM V1.3.0. Collection method: curation. Allele origin: germline. Inheritance: Autosomal dominant inheritance.
Comment: The c.2862_2863del (p.Pro955Trpfs*13) variant in ATM is a frameshift variant predicted to cause a premature stop codon in biologically-relevant-exon leading to nonsense mediated decay in a gene in which loss-of-function is an established disease mechanism. This alteration results in a termination codon upstream of the most C-terminal pathogenic alteration (ATM p.Arg3047*), as classified by the HBOP VCEP, and is expected to be more deleterious. This variant has been detected in at least one individual with Ataxia-Telangiectasia (PMID: 26896183). This variant is absent from gnomAD v.4.1.0. In summary, this variant meets the criteria to be classified as pathogenic for autosomal dominant ATM-related cancer predisposition and autosomal recessive Ataxia-Telangiectasia based on the ACMG/AMP criteria applied, as specified by the HBOP VCEP. (PVS1, PM5_Supporting, PM3, PM2_Supporting)